The following is an entry in ClinVar:

ClinVar aggregate classification (germline): Uncertain significance. Review status: criteria provided, multiple submitters, no conflicts (2 of 4 stars). 2 submissions from 2 submitters: Uncertain significance (2). Last evaluated 2025-11-07.

Conditions:
Inborn genetic diseases. Identifiers: MedGen C0950123, MeSH D030342.

Allele frequency attached by ClinVar (database versions not stated): gnomAD exomes below 0.00001.
gnomAD v4.1: 6 of 1,613,410 alleles (0.00037%); highest among the groups gnomAD compares: Non-Finnish European, 0.00042%; no homozygotes.

Submissions (2):

Ambry Genetics
Classification: Uncertain significance for Inborn genetic diseases. Last evaluated: 2025-11-07. Review status: criteria provided, single submitter. Criteria: Ambry Variant Classification Scheme 2023. Collection method: clinical testing. Allele origin: germline.

Labcorp Genetics (formerly Invitae), Labcorp
Classification: Uncertain significance. Last evaluated: 2024-02-23. Review status: criteria provided, single submitter. Criteria: Invitae Variant Classification Sherloc (09022015). Collection method: clinical testing. Allele origin: germline.
Comment: This sequence change replaces tyrosine, which is neutral and polar, with histidine, which is basic and polar, at codon 639 of the ABCA4 protein (p.Tyr639His). This variant is not present in population databases (gnomAD no frequency). This variant has not been reported in the literature in individuals affected with ABCA4-related conditions. ClinVar contains an entry for this variant (Variation ID: 1392334). Advanced modeling of protein sequence and biophysical properties (such as structural, functional, and spatial information, amino acid conservation, physicochemical variation, residue mobility, and thermodynamic stability) performed at Invitae indicates that this missense variant is expected to disrupt ABCA4 protein function with a positive predictive value of 95%. In summary, the available evidence is currently insufficient to determine the role of this variant in disease. Therefore, it has been classified as a Variant of Uncertain Significance.

NM_000350.3(ABCA4):c.1915T>C (p.Tyr639His)

Gene: ABCA4 (ATP binding cassette subfamily A member 4; minus strand). Cytogenetic location: 1p22.1.
Variant type: single nucleotide variant.
Coding change: c.1915T>C on transcript NM_000350.3 (MANE Select); coding-DNA position 1915, T replaced by C.
Protein change: p.Tyr639His; replaces tyrosine 639 with histidine.
Molecular consequence: missense variant.
Genome position (GRCh38, 1-based): chr1:94,062,599, A>G on the plus strand (T>C on the coding strand, the complement: ABCA4 is on the minus strand). VCF-style: chr1-94062599-A-G. GRCh37 (hg19) VCF-style: chr1-94528155-A-G.
Other names: c.1915T>C (NM_000350.2); c.1915T>C, p.Tyr639His (NM_001425324.1); short protein forms Y639H.
Identifiers: ClinVar variation 1392334 (VCV001392334.7), dbSNP rs2101078070, ClinGen allele CA341279260.